The following is an entry in ClinVar:

ClinVar aggregate classification (germline): Uncertain significance (1 of 4 stars; one submission).

Conditions:
Cardiovascular phenotype. Identifiers: MedGen CN230736.

Submission:

Ambry Genetics
Classification: Uncertain significance for Cardiovascular phenotype. Last evaluated: 2025-06-10. Review status: criteria provided, single submitter. Criteria: Ambry Variant Classification Scheme 2023. Collection method: clinical testing. Allele origin: germline.
Comment: The p.S647I variant (also known as c.1940G>T), located in coding exon 5 of the ALPK3 gene, results from a G to T substitution at nucleotide position 1940. The serine at codon 647 is replaced by isoleucine, an amino acid with dissimilar properties. This amino acid position is conserved. In addition, this alteration is predicted to be tolerated by in silico analysis. Based on the available evidence, the clinical significance of this variant remains unclear.

NM_020778.5(ALPK3):c.1334G>T (p.Ser445Ile)

Gene: ALPK3 (alpha kinase 3; plus strand). Cytogenetic location: 15q25.3.
Variant type: single nucleotide variant.
Coding change: c.1334G>T on transcript NM_020778.5 (MANE Select); coding-DNA position 1334, G replaced by T.
Protein change: p.Ser445Ile; replaces serine 445 with isoleucine.
Molecular consequence: missense variant.
Genome position (GRCh38, 1-based): chr15:84,840,613, G>T. VCF-style: chr15-84840613-G-T. GRCh37 (hg19) VCF-style: chr15-85383844-G-T.
Other names: short protein forms S445I.
Identifiers: ClinVar variation 4044996 (VCV004044996.1).